The following is an entry in ClinVar:

ClinVar aggregate classification (germline): Uncertain significance (1 of 4 stars; one submission).

Submission:

GeneDx
Classification: Uncertain significance. Last evaluated: 2026-02-12. Review status: criteria provided, single submitter. Criteria: GeneDx Variant Classification Process June 2021. Collection method: clinical testing. Allele origin: germline.
Comment: Not observed at significant frequency in large population cohorts (gnomAD); In silico analysis supports that this missense variant has a deleterious effect on protein structure/function; Has not been previously published as pathogenic or benign to our knowledge

NM_013275.6(ANKRD11):c.235G>A (p.Gly79Ser)

Gene: ANKRD11 (ankyrin repeat domain 11; minus strand). Cytogenetic location: 16q24.3.
Variant type: single nucleotide variant.
Coding change: c.235G>A on transcript NM_013275.6 (MANE Select); coding-DNA position 235, G replaced by A.
Protein change: p.Gly79Ser; replaces glycine 79 with serine.
Molecular consequence: missense variant. On other transcripts: non-coding transcript variant (1).
Genome position (GRCh38, 1-based): chr16:89,291,175, C>T on the plus strand (G>A on the coding strand, the complement: ANKRD11 is on the minus strand). VCF-style: chr16-89291175-C-T. GRCh37 (hg19) VCF-style: chr16-89357583-C-T.
Other names: c.235G>A, p.Gly79Ser (NM_001256182.2, NM_001256183.2); short protein forms G79S.
Identifiers: ClinVar variation 4976461 (VCV004976461.1).